The following is an entry in ClinVar:

ClinVar aggregate classification (germline): Pathogenic/Likely pathogenic. Review status: criteria provided, multiple submitters, no conflicts (2 of 4 stars). 2 submissions from 2 submitters: Pathogenic (1); Likely pathogenic (1). Last evaluated 2023-11-07.

Conditions:
Autosomal recessive polycystic kidney disease (ARPKD). Also called: AR polycystic kidney disease. Identifiers: Orphanet 731, Orphanet 8378, MedGen C0085548, MeSH D017044, MONDO:0009889.
Polycystic kidney disease 4 (PKD4). Also called: PKD3; POLYCYSTIC KIDNEY AND HEPATIC DISEASE 1; POLYCYSTIC KIDNEY DISEASE, INFANTILE, TYPE I; POLYCYSTIC KIDNEY DISEASE 4 WITH OR WITHOUT POLYCYSTIC LIVER DISEASE; Autosomal Recessive Polycystic Kidney Disease – PKHD1. Identifiers: MedGen C4540575, MONDO:0033004, OMIM 263200.

gnomAD v4.1: 2 of 1,614,078 alleles (0.00012%); highest among the groups gnomAD compares: Non-Finnish European, 0.00017%; no homozygotes.

Submissions (2):

Baylor Genetics
Classification: Likely pathogenic for Polycystic kidney disease 4. Last evaluated: 2023-11-07. Review status: criteria provided, single submitter. Criteria: ACMG Guidelines, 2015. Collection method: clinical testing. Allele origin: unknown.

Labcorp Genetics (formerly Invitae), Labcorp
Classification: Pathogenic for Autosomal recessive polycystic kidney disease. Last evaluated: 2020-10-09. Review status: criteria provided, single submitter. Criteria: Invitae Variant Classification Sherloc (09022015). Collection method: clinical testing. Allele origin: germline.
Comment: For these reasons, this variant has been classified as Pathogenic. Loss-of-function variants in PKHD1 are known to be pathogenic (PMID: 19940839). This variant has not been reported in the literature in individuals with PKHD1-related conditions. ClinVar contains an entry for this variant (Variation ID: 863665). This variant is not present in population databases (ExAC no frequency). This sequence change creates a premature translational stop signal (p.Glu1515*) in the PKHD1 gene. It is expected to result in an absent or disrupted protein product.

Literature cited by the submitters: PubMed 19940839 (cited by Labcorp Genetics (formerly Invitae), Labcorp).

NM_138694.4(PKHD1):c.4543G>T (p.Glu1515Ter)

Gene: PKHD1 (PKHD1 ciliary IPT domain containing fibrocystin/polyductin; minus strand). Cytogenetic location: 6p12.2.
Variant type: single nucleotide variant.
Coding change: c.4543G>T on transcript NM_138694.4 (MANE Select); coding-DNA position 4543, G replaced by T.
Protein change: p.Glu1515Ter; replaces glutamic acid 1515 with a stop codon.
Molecular consequence: nonsense.
Genome position (GRCh38, 1-based): chr6:52,025,267, C>A on the plus strand (G>T on the coding strand, the complement: PKHD1 is on the minus strand). VCF-style: chr6-52025267-C-A. GRCh37 (hg19) VCF-style: chr6-51890065-C-A.
Other names: c.4543G>T, p.Glu1515Ter (NM_170724.3); short protein forms E1515*.
Identifiers: ClinVar variation 863665 (VCV000863665.9), dbSNP rs1433540169, ClinGen allele CA364432533.